The following is an entry in ClinVar:

ClinVar aggregate classification (germline): Uncertain significance. Review status: criteria provided, multiple submitters, no conflicts (2 of 4 stars). 2 submissions from 2 submitters: Uncertain significance (2). Last evaluated 2025-05-02.

Conditions:
Type 2 diabetes mellitus. Also called: Type II diabetes mellitus. Identifiers: MedGen C0011860, MeSH D003924, MONDO:0005148, OMIM 125853, HP:0005978.
High density lipoprotein cholesterol level quantitative trait locus 12 (HDLCQ12). Identifiers: MedGen C2675071, OMIM 612797.
Hyperlipidemia due to hepatic triglyceride lipase deficiency. Also called: LIPC DEFICIENCY. Identifiers: Orphanet 140905, MedGen C3151466, MONDO:0013533, OMIM 614025.

Submissions (2):

Ambry Genetics
Classification: Uncertain significance. Last evaluated: 2025-05-02. Review status: criteria provided, single submitter. Criteria: Ambry Variant Classification Scheme 2023. Collection method: clinical testing. Allele origin: germline.
Comment: The c.1271_1275delCAGTG (p.A424Vfs*48) alteration, located in exon 8 (coding exon 8) of the LIPC gene, consists of a deletion of 5 nucleotides from position 1271 to 1275, causing a translational frameshift with a predicted alternate stop codon after 48 amino acids. The evidence for this gene-disease relationship is limited; therefore, the clinical significance of this alteration is unclear. The variant was paternally inherited along with another paternally inherited variant in GPD2 (c.1825T>A (p.S609T)), and the child had normal trigylcerides, normal LDL, and normal HDL (Wang, 2020). This nucleotide region is not well conserved in available vertebrate species. Based on insufficient or conflicting evidence, the clinical significance of this alteration remains unclear.

Juno Genomics, Hangzhou Juno Genomics, Inc
Classification: Uncertain significance for High density lipoprotein cholesterol level quantitative trait locus 12; Type 2 diabetes mellitus; Hyperlipidemia due to hepatic triglyceride lipase deficiency. Review status: criteria provided, single submitter. Criteria: ACMG Guidelines, 2015. Collection method: clinical testing. Allele origin: germline. Affected: yes.
Comment: Absent from controls (or at extremely low frequency if recessive) in Genome Aggregation Database, Exome Sequencing Project, 1000 Genomes Project, or Exome Aggregation Consortium.

Literature cited by the submitters: PubMed 28106320 (cited by Ambry Genetics); PubMed 32266039 (cited by Ambry Genetics).

NM_000236.3(LIPC):c.1271_1275del (p.Ala424fs)

Gene: LIPC (lipase C, hepatic type; plus strand). Cytogenetic location: 15q21.3.
Variant type: Microsatellite.
Coding change: c.1271_1275del on transcript NM_000236.3 (MANE Select); coding-DNA positions 1271 to 1275, 5 bases deleted (CAGTG; older notation c.1271_1275delCAGTG).
Protein change: p.Ala424fs; shifts the reading frame from alanine 424.
Molecular consequence: frameshift variant.
Genome position (GRCh38, 1-based): chr15:58,563,606-58,563,610, CAGTG deleted; deleting any 5 consecutive bases within chr15:58,563,601-58,563,610 gives the same sequence; the c. name uses the placement nearest the transcript's 3' end. VCF-style (leftmost placement, unchanged base first): chr15-58563600-ACAGTG-A. GRCh37 (hg19) VCF-style: chr15-58855799-ACAGTG-A.
Other names: short protein forms A424fs.
Identifiers: ClinVar variation 2489894 (VCV002489894.5), dbSNP rs752423767, ClinGen allele CA7585183.